The following is an entry in ClinVar:

ClinVar aggregate classification (germline): Uncertain significance (1 of 4 stars; one submission).

Conditions:
T-B+ severe combined immunodeficiency due to JAK3 deficiency. Also called: SCID, autosomal recessive, T-negative/B-positive type; SCID, T CELL-NEGATIVE, B CELL-POSITIVE, NK CELL-NEGATIVE. Identifiers: Orphanet 35078, MedGen C1833275, MONDO:0010938, OMIM 600802.

Allele frequency attached by ClinVar (database versions not stated): gnomAD exomes below 0.00001; ExAC 0.00004; gnomAD 0.00004; TOPMed 0.00005; ESP Exome Variant Server 0.00017.

Submission:

Labcorp Genetics (formerly Invitae), Labcorp
Classification: Uncertain significance for T-B+ severe combined immunodeficiency due to JAK3 deficiency. Last evaluated: 2022-02-06. Review status: criteria provided, single submitter. Criteria: Invitae Variant Classification Sherloc (09022015). Collection method: clinical testing. Allele origin: germline.
Comment: This sequence change replaces glycine, which is neutral and non-polar, with arginine, which is basic and polar, at codon 284 of the JAK3 protein (p.Gly284Arg). This variant is present in population databases (rs371648741, gnomAD 0.01%). This variant has not been reported in the literature in individuals affected with JAK3-related conditions. Algorithms developed to predict the effect of missense changes on protein structure and function output the following: SIFT: "Tolerated"; PolyPhen-2: "Benign"; Align-GVGD: "Class C0". The arginine amino acid residue is found in multiple mammalian species, which suggests that this missense change does not adversely affect protein function. In summary, the available evidence is currently insufficient to determine the role of this variant in disease. Therefore, it has been classified as a Variant of Uncertain Significance.

NM_000215.4(JAK3):c.850G>C (p.Gly284Arg)

Gene: JAK3 (Janus kinase 3; minus strand). Cytogenetic location: 19p13.11.
Variant type: single nucleotide variant.
Coding change: c.850G>C on transcript NM_000215.4 (MANE Select); coding-DNA position 850, G replaced by C.
Protein change: p.Gly284Arg; replaces glycine 284 with arginine.
Molecular consequence: missense variant.
Genome position (GRCh38, 1-based): chr19:17,842,327, C>G on the plus strand (G>C on the coding strand, the complement: JAK3 is on the minus strand). VCF-style: chr19-17842327-C-G. GRCh37 (hg19) VCF-style: chr19-17953136-C-G.
Other names: short protein forms G284R.
Identifiers: ClinVar variation 1980303 (VCV001980303.1), dbSNP rs371648741, ClinGen allele CA9302078.